The following is an entry in ClinVar:

ClinVar aggregate classification (germline): Uncertain significance (1 of 4 stars; one submission).

Conditions:
Baller-Gerold syndrome (BGS). Also called: CRANIOSYNOSTOSIS WITH RADIAL DEFECTS. Identifiers: Orphanet 1225, MedGen C0265308, MONDO:0009039, OMIM 218600.

Submission:

Labcorp Genetics (formerly Invitae), Labcorp
Classification: Uncertain significance for Baller-Gerold syndrome. Last evaluated: 2023-05-24. Review status: criteria provided, single submitter. Criteria: Invitae Variant Classification Sherloc (09022015). Collection method: clinical testing. Allele origin: germline.
Comment: In summary, the available evidence is currently insufficient to determine the role of this variant in disease. Therefore, it has been classified as a Variant of Uncertain Significance. Algorithms developed to predict the effect of sequence changes on RNA splicing suggest that this variant may create or strengthen a splice site. This variant has not been reported in the literature in individuals affected with RECQL4-related conditions. This variant is not present in population databases (gnomAD no frequency). This sequence change affects codon 135 of the RECQL4 mRNA. It is a 'silent' change, meaning that it does not change the encoded amino acid sequence of the RECQL4 protein.

NM_004260.4(RECQL4):c.405T>A (p.Ser135=)

Gene: RECQL4 (RecQ like helicase 4; minus strand). Cytogenetic location: 8q24.3.
Variant type: single nucleotide variant.
Coding change: c.405T>A on transcript NM_004260.4 (MANE Select); coding-DNA position 405, T replaced by A.
Protein change: p.Ser135=; no amino-acid change (serine 135 retained).
Molecular consequence: synonymous variant. On other transcripts: 5 prime UTR variant (13), non-coding transcript variant (3), intron variant (5).
Genome position (GRCh38, 1-based): chr8:144,516,714, A>T on the plus strand (T>A on the coding strand, the complement: RECQL4 is on the minus strand). VCF-style: chr8-144516714-A-T. GRCh37 (hg19) VCF-style: chr8-145742098-A-T.
Other names: c.405T>A, p.Ser135= (NM_001413017.1, NM_001413018.1, NM_001413019.1 and 4 more transcripts); c.-667T>A (NM_001413022.1, NM_001413023.1, NM_001413037.1 and 3 more transcripts); c.276T>A, p.Ser92= (NM_001413025.1); c.-729T>A (NM_001413027.1, NM_001413030.1, NM_001413031.1 and 1 more transcripts); c.-392T>A (NM_001413028.1); c.-571T>A (NM_001413034.1); c.-936T>A (NM_001413043.1); c.355-301T>A (NM_001413029.1); and 3 more.
Identifiers: ClinVar variation 2703466 (VCV002703466.3), dbSNP rs2130729503, ClinGen allele CA463568185.